The following is an entry in ClinVar:

NM_138370.3(PKDCC):c.265G>C (p.Asp89His)

Gene: PKDCC (protein kinase domain containing, cytoplasmic; plus strand). Cytogenetic location: 2p21.
Variant type: single nucleotide variant.
Coding change: c.265G>C on transcript NM_138370.3 (MANE Select); coding-DNA position 265, G replaced by C.
Protein change: p.Asp89His; replaces aspartic acid 89 with histidine.
Molecular consequence: missense variant.
Genome position (GRCh38, 1-based): chr2:42,048,464, G>C. VCF-style: chr2-42048464-G-C. GRCh37 (hg19) VCF-style: chr2-42275604-G-C.
Other names: c.265G>C (NM_138370.2); short protein forms D89H.
Identifiers: ClinVar variation 1354847 (VCV001354847.7), dbSNP rs1292367097, ClinGen allele CA346622822.

ClinVar aggregate classification (germline): Uncertain significance. Review status: criteria provided, multiple submitters, no conflicts (2 of 4 stars). 2 submissions from 2 submitters: Uncertain significance (2). Last evaluated 2024-10-29.

Conditions:
Inborn genetic diseases. Identifiers: MedGen C0950123, MeSH D030342.

Allele frequency attached by ClinVar (database versions not stated): gnomAD exomes below 0.00001; gnomAD 0.00023; TOPMed 0.00026; 1000 Genomes Project 30x 0.00062.
gnomAD v4.1: 35 of 1,070,464 alleles (0.0033%); highest among the groups gnomAD compares: Admixed American, 0.17%; no homozygotes.

Submissions (2):

Labcorp Genetics (formerly Invitae), Labcorp
Classification: Uncertain significance. Last evaluated: 2024-10-29. Review status: criteria provided, single submitter. Criteria: Invitae Variant Classification Sherloc (09022015). Collection method: clinical testing. Allele origin: germline.
Comment: This sequence change replaces aspartic acid, which is acidic and polar, with histidine, which is basic and polar, at codon 89 of the PKDCC protein (p.Asp89His). This variant is present in population databases (no rsID available, gnomAD 0.3%). This variant has not been reported in the literature in individuals affected with PKDCC-related conditions. ClinVar contains an entry for this variant (Variation ID: 1354847). An algorithm developed to predict the effect of missense changes on protein structure and function (PolyPhen-2) suggests that this variant¬†is likely to be tolerated. In summary, the available evidence is currently insufficient to determine the role of this variant in disease. Therefore, it has been classified as a Variant of Uncertain Significance.

Ambry Genetics
Classification: Uncertain significance for Inborn genetic diseases. Last evaluated: 2021-07-15. Review status: criteria provided, single submitter. Criteria: Ambry Variant Classification Scheme 2023. Collection method: clinical testing. Allele origin: germline.